The following is an entry in ClinVar:

ClinVar aggregate classification (germline): Uncertain significance (1 of 4 stars; one submission).

Allele frequency attached by ClinVar (database versions not stated): TOPMed below 0.00001; gnomAD 0.00001.

Submission:

GeneDx
Classification: Uncertain significance. Last evaluated: 2022-03-03. Review status: criteria provided, single submitter. Criteria: GeneDx Variant Classification Process June 2021. Collection method: clinical testing. Allele origin: germline. Affected: yes.
Comment: Not observed at significant frequency in large population cohorts (gnomAD); In silico analysis supports that this missense variant does not alter protein structure/function; Has not been previously published as pathogenic or benign to our knowledge

NM_024417.5(FDXR):c.1006G>C (p.Val336Leu)

Gene: FDXR (ferredoxin reductase; minus strand). Cytogenetic location: 17q25.1.
Variant type: single nucleotide variant.
Coding change: c.1006G>C on transcript NM_024417.5 (MANE Select); coding-DNA position 1006, G replaced by C.
Protein change: p.Val336Leu; replaces valine 336 with leucine.
Molecular consequence: missense variant. On other transcripts: non-coding transcript variant (1).
Genome position (GRCh38, 1-based): chr17:74,864,064, C>G on the plus strand (G>C on the coding strand, the complement: FDXR is on the minus strand). VCF-style: chr17-74864064-C-G. GRCh37 (hg19) VCF-style: chr17-72860186-C-G.
Other names: c.1135G>C, p.Val379Leu (NM_001258012.4); c.1099G>C, p.Val367Leu (NM_001258013.4); c.982G>C, p.Val328Leu (NM_001258014.4); c.886G>C, p.Val296Leu (NM_001258015.3); c.850G>C, p.Val284Leu (NM_001258016.3); c.1024G>C, p.Val342Leu (NM_004110.6); short protein forms V284L, V296L, V328L, V336L, V342L, V367L, V379L.
Identifiers: ClinVar variation 1703918 (VCV001703918.2), dbSNP rs1302063948, ClinGen allele CA400967556.